The following is an entry in ClinVar:

ClinVar aggregate classification (germline): Pathogenic (1 of 4 stars; one submission).

Conditions:
Neurofibromatosis, type 1 (NF1). Also called: VON RECKLINGHAUSEN DISEASE; NEUROFIBROMATOSIS, TYPE I, SOMATIC; Peripheral type neurofibromatosis; Neurofibromatosis, type I. Identifiers: Orphanet 636, MedGen C0027831, MONDO:0018975, OMIM 162200. Disease mechanism: loss of function.

Submission:

Labcorp Genetics (formerly Invitae), Labcorp
Classification: Pathogenic for Neurofibromatosis, type 1. Last evaluated: 2026-01-13. Review status: criteria provided, single submitter. Criteria: Invitae Variant Classification Sherloc (09022015). Collection method: clinical testing. Allele origin: germline.
Comment: This sequence change creates a premature translational stop signal (p.Glu517*) in the NF1 gene. It is expected to result in an absent or disrupted protein product. Loss-of-function variants in NF1 are known to be pathogenic (PMID: 10712197, 23913538). This variant is not present in population databases (gnomAD no frequency). This premature translational stop signal has been observed in individual(s) with neurofibromatosis, type 1 (PMID: 31766501). ClinVar contains an entry for this variant (Variation ID: 527597). For these reasons, this variant has been classified as Pathogenic.

Literature cited by the submitters: PubMed 10712197; PubMed 23913538; PubMed 31766501.

NM_001042492.3(NF1):c.1549G>T (p.Glu517Ter)

Gene: NF1 (neurofibromin 1; plus strand). Cytogenetic location: 17q11.2.
Variant type: single nucleotide variant.
Coding change: c.1549G>T on transcript NM_001042492.3 (MANE Select); coding-DNA position 1549, G replaced by T.
Protein change: p.Glu517Ter; replaces glutamic acid 517 with a stop codon.
Molecular consequence: nonsense.
Genome position (GRCh38, 1-based): chr17:31,219,026, G>T. VCF-style: chr17-31219026-G-T. GRCh37 (hg19) VCF-style: chr17-29546044-G-T.
Other names: c.1549G>T, p.Glu517Ter (NM_000267.4, NM_001128147.3); short protein forms E517*.
Identifiers: ClinVar variation 527597 (VCV000527597.5), dbSNP rs587778548, ClinGen allele CA399001856.